The following is an entry in ClinVar:

NM_015915.5(ATL1):c.409G>T (p.Gly137Cys)

Gene: ATL1 (atlastin GTPase 1; plus strand). Cytogenetic location: 14q22.1.
Variant type: single nucleotide variant.
Coding change: c.409G>T on transcript NM_015915.5 (MANE Select); coding-DNA position 409, G replaced by T.
Protein change: p.Gly137Cys; replaces glycine 137 with cysteine.
Molecular consequence: missense variant.
Genome position (GRCh38, 1-based): chr14:50,591,067, G>T. VCF-style: chr14-50591067-G-T. GRCh37 (hg19) VCF-style: chr14-51057785-G-T.
Other names: c.409G>T, p.Gly137Cys (NM_001127713.1, NM_181598.4); short protein forms G137C.
Identifiers: ClinVar variation 1407849 (VCV001407849.11), dbSNP rs772400647, ClinGen allele CA260774115.

ClinVar aggregate classification (germline): Uncertain significance. Review status: criteria provided, multiple submitters, no conflicts (2 of 4 stars). 2 submissions from 2 submitters: Uncertain significance (2). Last evaluated 2025-02-11.

Conditions:
Inborn genetic diseases. Identifiers: MedGen C0950123, MeSH D030342.
Hereditary spastic paraplegia 3A (SPG3A). Also called: SPASTIC PARAPLEGIA 3, AUTOSOMAL DOMINANT; FAMILIAL SPASTIC PARAPLEGIA, AUTOSOMAL DOMINANT, 1; SPG3; STRUMPELL DISEASE; Spastic Paraplegia 3A; Spastic paraplegia 3A, autosomal dominant. Identifiers: Orphanet 100984, MedGen C2931355, MONDO:0008437, OMIM 182600.

gnomAD v4.1: 10 of 1,613,076 alleles (0.00062%); highest among the groups gnomAD compares: Middle Eastern, 0.017%; no homozygotes.

Submissions (2):

Ambry Genetics
Classification: Uncertain significance for Inborn genetic diseases. Last evaluated: 2025-02-11. Review status: criteria provided, single submitter. Criteria: Ambry Variant Classification Scheme 2023. Collection method: clinical testing. Allele origin: germline.

Labcorp Genetics (formerly Invitae), Labcorp
Classification: Uncertain significance for Hereditary spastic paraplegia 3A. Last evaluated: 2025-01-20. Review status: criteria provided, single submitter. Criteria: Invitae Variant Classification Sherloc (09022015). Collection method: clinical testing. Allele origin: germline.
Comment: This sequence change replaces glycine, which is neutral and non-polar, with cysteine, which is neutral and slightly polar, at codon 137 of the ATL1 protein (p.Gly137Cys). This variant is not present in population databases (gnomAD no frequency). This variant has not been reported in the literature in individuals affected with ATL1-related conditions. ClinVar contains an entry for this variant (Variation ID: 1407849). Invitae Evidence Modeling of protein sequence and biophysical properties (such as structural, functional, and spatial information, amino acid conservation, physicochemical variation, residue mobility, and thermodynamic stability) indicates that this missense variant is expected to disrupt ATL1 protein function with a positive predictive value of 95%. In summary, the available evidence is currently insufficient to determine the role of this variant in disease. Therefore, it has been classified as a Variant of Uncertain Significance.